The following is an entry in ClinVar:

ClinVar aggregate classification (germline): Uncertain significance (1 of 4 stars; one submission).

Allele frequency attached by ClinVar (database versions not stated): gnomAD 0.00001 and 0.00002; gnomAD exomes 0.00002 and 0.00007; TOPMed 0.00008; ExAC 0.00009; 1000 Genomes Project 30x 0.00016.

Submission:

Labcorp Genetics (formerly Invitae), Labcorp
Classification: Uncertain significance. Last evaluated: 2022-07-05. Review status: criteria provided, single submitter. Criteria: Invitae Variant Classification Sherloc (09022015). Collection method: clinical testing. Allele origin: germline.
Comment: In summary, the available evidence is currently insufficient to determine the role of this variant in disease. Therefore, it has been classified as a Variant of Uncertain Significance. Algorithms developed to predict the effect of missense changes on protein structure and function are either unavailable or do not agree on the potential impact of this missense change (SIFT: "Deleterious"; PolyPhen-2: "Benign"; Align-GVGD: "Class C15"). ClinVar contains an entry for this variant (Variation ID: 1507374). This variant has not been reported in the literature in individuals affected with GPR179-related conditions. This variant is present in population databases (rs184187735, gnomAD 0.08%). This sequence change replaces arginine, which is basic and polar, with tryptophan, which is neutral and slightly polar, at codon 1098 of the GPR179 protein (p.Arg1098Trp).

NM_001004334.4(GPR179):c.3292C>T (p.Arg1098Trp)

Gene: GPR179 (G protein-coupled receptor 179; minus strand). Cytogenetic location: 17q12.
Variant type: single nucleotide variant.
Coding change: c.3292C>T on transcript NM_001004334.4 (MANE Select); coding-DNA position 3292, C replaced by T.
Protein change: p.Arg1098Trp; replaces arginine 1098 with tryptophan.
Molecular consequence: missense variant.
Genome position (GRCh38, 1-based): chr17:38,330,277, G>A on the plus strand (C>T on the coding strand, the complement: GPR179 is on the minus strand). VCF-style: chr17-38330277-G-A. GRCh37 (hg19) VCF-style: chr17-36486160-G-A.
Other names: short protein forms R1098W.
Identifiers: ClinVar variation 1507374 (VCV001507374.6), dbSNP rs184187735, ClinGen allele CA290105250.